The following is an entry in ClinVar:

ClinVar aggregate classification (germline): Pathogenic/Likely pathogenic. Review status: criteria provided, multiple submitters, no conflicts (2 of 4 stars). 2 submissions from 2 submitters: Pathogenic (1); Likely pathogenic (1). Last evaluated 2025-03-10.

Conditions:
Nemaline myopathy. Also called: Myopathies, Nemaline. Identifiers: Orphanet 607, MedGen C0206157, MONDO:0018958.
Nemaline myopathy 2 (NEM2). Also called: Nemaline myopathy 2, autosomal recessive. Identifiers: MedGen C1850569, MONDO:0009725, OMIM 256030.

Allele frequency attached by ClinVar (database versions not stated): gnomAD 0.00001; 1000 Genomes Project 30x 0.00031.
gnomAD v4.1: 1 of 1,602,230 alleles (0.000062%); highest among the groups gnomAD compares: East Asian, 0.0022%; no homozygotes.

Submissions (2):

Broad Center for Mendelian Genomics, Broad Institute of MIT and Harvard
Classification: Likely pathogenic for Nemaline myopathy. Last evaluated: 2025-03-10. Review status: criteria provided, single submitter. Criteria: ACMG Guidelines, 2015. Collection method: curation. Allele origin: germline. Inheritance: Autosomal recessive inheritance.
Comment: The c.17845-1G>A variant in NEB has been reported in one individual with nemaline myopathy (Invitae), and has been identified in 0.002% (1/44512) of East Asian chromosomes by the Genome Aggregation Database (gnomAD; dbSNP ID: rs1371849916). Although this variant has been seen in the general population in a heterozygous state, its frequency is low enough to be consistent with a recessive carrier frequency. This variant is located in the 3' splice region. SpliceAI predictions indicate use of an out-of-frame cryptic splice site 13 bases from the intron-exon boundary, providing evidence that this variant may cause a frameshift and lead to a premature termination codon downstream. This alteration is then predicted to lead to a truncated or absent protein. However, this information is not predictive enough to determine pathogenicity. Loss of function of the NEB gene is an established disease mechanism in autosomal recessive nemaline myopathy. In summary, although additional studies are required to fully establish its clinical significance, this variant is likely pathogenic for autosomal recessive nemaline myopathy. ACMG/AMP Criteria applied: PVS1, PM2_supporting (Richards 2015).

Labcorp Genetics (formerly Invitae), Labcorp
Classification: Pathogenic for Nemaline myopathy 2. Last evaluated: 2018-03-06. Review status: criteria provided, single submitter. Criteria: Invitae Variant Classification Sherloc (09022015). Collection method: clinical testing. Allele origin: germline.
Comment: This sequence change affects acceptor splice site in intron 113 of the NEB gene. It is expected to disrupt RNA splicing and likely results in an absent or disrupted protein product. This variant is not present in population databases (ExAC no frequency). Algorithms developed to predict the effect of sequence changes on RNA splicing suggest that this variant may disrupt the consensus splice site, but this prediction has not been confirmed by published transcriptional studies. Donor and acceptor splice site variants typically lead to a loss of protein function (PMID: 16199547), and loss-of-function variants in NEB are known to be pathogenic (PMID: 25205138). For these reasons, this variant has been classified as Pathogenic.

Literature cited by the submitters: PubMed 16199547 (cited by Labcorp Genetics (formerly Invitae), Labcorp); PubMed 25205138 (cited by Labcorp Genetics (formerly Invitae), Labcorp).

NM_001164508.2(NEB):c.17845-1G>A

Gene: NEB (nebulin; minus strand). Cytogenetic location: 2q23.3.
Variant type: single nucleotide variant.
Coding change: c.17845-1G>A on transcript NM_001164508.2 (MANE Select); the canonical splice acceptor site of the intron before coding-DNA position 17845, G replaced by A.
Molecular consequence: splice acceptor variant.
Genome position (GRCh38, 1-based): chr2:151,567,480, C>T on the plus strand (G>A on the coding strand, the complement: NEB is on the minus strand). VCF-style: chr2-151567480-C-T. GRCh37 (hg19) VCF-style: chr2-152423994-C-T.
Other names: c.12742-1G>A (NM_004543.5); c.17845-1G>A (NM_001164507.2, NM_001271208.2).
Identifiers: ClinVar variation 534004 (VCV000534004.10), dbSNP rs1371849916, ClinGen allele CA348804223.
Genomic context (GRCh38, chr2:151,567,480, plus strand): 5'-CATCGTCGGGACACCAACATAATGACCTTTTTGCTTCACATGTTCAGCTTTGTATTTCAG[C>T]TGGCGAGAAGAGGAATATAAATTCCATCAGTTTTGACAAGCACACAAGGCAGAGGGGGCT-3'